The following is an entry in ClinVar:

ClinVar aggregate classification (germline): Uncertain significance (1 of 4 stars; one submission).

Submission:

Mayo Clinic Laboratories, Mayo Clinic
Classification: Uncertain significance. Last evaluated: 2024-07-29. Review status: criteria provided, single submitter. Criteria: ACMG Guidelines, 2015. Collection method: clinical testing. Allele origin: germline. Observed: 1 variant allele.
Comment: PM2

NM_001129.5(AEBP1):c.1002A>T (p.Glu334Asp)

Gene: AEBP1 (AE binding protein 1; plus strand). Cytogenetic location: 7p13.
Variant type: single nucleotide variant.
Coding change: c.1002A>T on transcript NM_001129.5 (MANE Select); coding-DNA position 1002, A replaced by T.
Protein change: p.Glu334Asp; replaces glutamic acid 334 with aspartic acid.
Molecular consequence: missense variant.
Genome position (GRCh38, 1-based): chr7:44,108,960, A>T. VCF-style: chr7-44108960-A-T. GRCh37 (hg19) VCF-style: chr7-44148559-A-T.
Other names: p.Glu334Asp; short protein forms E334D.
Identifiers: ClinVar variation 3379756 (VCV003379756.1).